The following is an entry in ClinVar:

NM_001040142.2(SCN2A):c.818A>G (p.Asn273Ser)

Gene: SCN2A (sodium voltage-gated channel alpha subunit 2; plus strand). Cytogenetic location: 2q24.3.
Variant type: single nucleotide variant.
Coding change: c.818A>G on transcript NM_001040142.2 (MANE Select); coding-DNA position 818, A replaced by G.
Protein change: p.Asn273Ser; replaces asparagine 273 with serine.
Molecular consequence: missense variant.
Genome position (GRCh38, 1-based): chr2:165,310,443, A>G. VCF-style: chr2-165310443-A-G. GRCh37 (hg19) VCF-style: chr2-166166953-A-G.
Other names: c.818A>G, p.Asn273Ser (NM_001040143.2, NM_001371246.1, NM_001371247.1 and 1 more transcripts); short protein forms N273S.
Identifiers: ClinVar variation 982803 (VCV000982803.6), dbSNP rs1697366709, ClinGen allele CA349018225.
Genomic context (GRCh38, chr2:165,310,443, plus strand): 5'-TCTTGACTGTGTTCTGTCTAAGCGTGTTTGCGCTAATAGGATTGCAGTTGTTCATGGGCA[A>G]CCTACGAAATAAATGTTTGCAATGGCCTCCAGATAATTCTTCCTTTGAAATAAATATCAC-3'
Protein context (NP_001035232.1, residues 263-283): ALIGLQLFMG[Asn273Ser]LRNKCLQWPP

ClinVar aggregate classification (germline): Uncertain significance. Review status: criteria provided, multiple submitters, no conflicts (2 of 4 stars). 3 submissions from 3 submitters: Uncertain significance (3). Last evaluated 2025-05-06.

Conditions:
Seizures, benign familial infantile, 3 (BFIS3). Also called: Familial neonatal seizures; CONVULSIONS, BENIGN FAMILIAL INFANTILE, 3. Identifiers: Orphanet 140927, Orphanet 306, MedGen C1843140, MONDO:0011904, OMIM 607745.
Developmental and epileptic encephalopathy, 11 (DEE11). Also called: Early infantile epileptic encephalopathy 11. Identifiers: Orphanet 1934, MedGen C3150987, MONDO:0013388, OMIM 613721.

Allele frequency attached by ClinVar (database versions not stated): gnomAD exomes below 0.00001; gnomAD 0.00001.
gnomAD v4.1: 1 of 1,613,692 alleles (0.000062%); highest among the groups gnomAD compares: African/African-American, 0.0013%; no homozygotes.

Submissions (3):

Labcorp Genetics (formerly Invitae), Labcorp
Classification: Uncertain significance for Seizures, benign familial infantile, 3; Developmental and epileptic encephalopathy, 11. Last evaluated: 2025-05-06. Review status: criteria provided, single submitter. Criteria: Invitae Variant Classification Sherloc (09022015). Collection method: clinical testing. Allele origin: germline.
Comment: This sequence change replaces asparagine, which is neutral and polar, with serine, which is neutral and polar, at codon 273 of the SCN2A protein (p.Asn273Ser). This variant is not present in population databases (gnomAD no frequency). This missense change has been observed in individual(s) with clinical features of SCN2A-related conditions (internal data). ClinVar contains an entry for this variant (Variation ID: 982803). Invitae Evidence Modeling of protein sequence and biophysical properties (such as structural, functional, and spatial information, amino acid conservation, physicochemical variation, residue mobility, and thermodynamic stability) has been performed for this missense variant. However, the output from this modeling did not meet the statistical confidence thresholds required to predict the impact of this variant on SCN2A protein function. In summary, the available evidence is currently insufficient to determine the role of this variant in disease. Therefore, it has been classified as a Variant of Uncertain Significance.

Greenwood Genetic Center Diagnostic Laboratories, Greenwood Genetic Center
Classification: Uncertain significance. Last evaluated: 2021-04-30. Review status: criteria provided, single submitter. Criteria: ACMG Guidelines, 2015. Collection method: clinical testing. Allele origin: germline. Affected: yes.
Comment: PM2

Institute of Human Genetics, University of Leipzig Medical Center
Classification: Uncertain significance for Developmental and epileptic encephalopathy, 11. Last evaluated: 2019-01-01. Review status: criteria provided, single submitter. Criteria: ACMG Guidelines, 2015. Collection method: clinical testing. Allele origin: unknown. Affected: yes.